The following is an entry in ClinVar:

NM_002361.4(MAG):c.1387T>G (p.Ser463Ala)

Gene: MAG (myelin associated glycoprotein; plus strand). Cytogenetic location: 19q13.12.
Variant type: single nucleotide variant.
Coding change: c.1387T>G on transcript NM_002361.4 (MANE Select); coding-DNA position 1387, T replaced by G.
Protein change: p.Ser463Ala; replaces serine 463 with alanine.
Molecular consequence: missense variant.
Genome position (GRCh38, 1-based): chr19:35,310,029, T>G. VCF-style: chr19-35310029-T-G. GRCh37 (hg19) VCF-style: chr19-35800932-T-G.
Other names: c.1312T>G, p.Ser438Ala (NM_001199216.2); c.1387T>G, p.Ser463Ala (NM_080600.3); short protein forms S463A, S438A.
Identifiers: ClinVar variation 1920617 (VCV001920617.5), dbSNP rs772793860, ClinGen allele CA9376259.

ClinVar aggregate classification (germline): Uncertain significance (1 of 4 stars; one submission).

Conditions:
Hereditary spastic paraplegia 75. Also called: Spastic paraplegia 75, autosomal recessive. Identifiers: Orphanet 459056, MedGen C4225250, MONDO:0014729, OMIM 616680.

Allele frequency attached by ClinVar (database versions not stated): gnomAD 0.00001; gnomAD exomes 0.00001; ExAC 0.00002.

Submission:

Labcorp Genetics (formerly Invitae), Labcorp
Classification: Uncertain significance for Hereditary spastic paraplegia 75. Last evaluated: 2022-05-30. Review status: criteria provided, single submitter. Criteria: Invitae Variant Classification Sherloc (09022015). Collection method: clinical testing. Allele origin: germline.
Comment: This sequence change replaces serine, which is neutral and polar, with alanine, which is neutral and non-polar, at codon 463 of the MAG protein (p.Ser463Ala). This variant is present in population databases (rs772793860, gnomAD 0.02%). This variant has not been reported in the literature in individuals affected with MAG-related conditions. Algorithms developed to predict the effect of missense changes on protein structure and function are either unavailable or do not agree on the potential impact of this missense change (SIFT: "Deleterious"; PolyPhen-2: "Benign"; Align-GVGD: "Class C0"). In summary, the available evidence is currently insufficient to determine the role of this variant in disease. Therefore, it has been classified as a Variant of Uncertain Significance.